The following is an entry in ClinVar:

ClinVar aggregate classification (germline): Pathogenic/Likely pathogenic. Review status: criteria provided, multiple submitters, no conflicts (2 of 4 stars). 3 submissions from 3 submitters: Pathogenic (2); Likely pathogenic (1). Last evaluated 2025-02-05.

Conditions:
Congenital myasthenic syndrome 4A. Also called: Myasthenic syndrome, congenital, 4a, slow-channel; CONGENITAL MYASTHENIC SYNDROME TYPE Ia1; MYASTHENIC SYNDROME, CONGENITAL, 4A, SLOW-CHANNEL, AUTOSOMAL RECESSIVE. Identifiers: Orphanet 590, MedGen C4225413, MONDO:0011600, OMIM 605809.
Congenital myasthenic syndrome (CMS). Also called: Congenital Myasthenic Syndromes. Identifiers: Orphanet 590, MedGen C0751882, MeSH D020294, MONDO:0018940.

Submissions (3):

Natera, Inc.
Classification: Likely pathogenic for Congenital myasthenic syndrome. Last evaluated: 2025-02-05. Review status: criteria provided, single submitter. Criteria: Natera Variant Classification Schema (03/2026). Collection method: clinical testing. Allele origin: germline.
Comment: The c.617_635delCCATCGACTTCTGCCCGGG variant in CHRNE is a frameshift variant predicted to shift the reading frame beginning at codon 206 and leads to a stop codon 2 codons downstream. This variant is expected to result in nonsense mediated decay, truncation, or a dysfunctional protein product. This variant is rare in the general population with a frequency below the threshold expected for the associated phenotype(s). Given the available evidence, this variant is classified as Likely Pathogenic.

Baylor Genetics
Classification: Pathogenic for Congenital myasthenic syndrome 4A. Last evaluated: 2024-01-11. Review status: criteria provided, single submitter. Criteria: ACMG Guidelines, 2015. Collection method: clinical testing. Allele origin: unknown.

Labcorp Genetics (formerly Invitae), Labcorp
Classification: Pathogenic for Congenital myasthenic syndrome 4A. Last evaluated: 2019-06-18. Review status: criteria provided, single submitter. Criteria: Invitae Variant Classification Sherloc (09022015). Collection method: clinical testing. Allele origin: germline.
Comment: For these reasons, this variant has been classified as Pathogenic. Loss-of-function variants in CHRNE are known to be pathogenic (PMID: 22678886). This variant has not been reported in the literature in individuals with CHRNE-related conditions. This variant is not present in population databases (ExAC no frequency). This sequence change creates a premature translational stop signal (p.Ala206Glyfs*2) in the CHRNE gene. It is expected to result in an absent or disrupted protein product.

Literature cited by the submitters: PubMed 22678886 (cited by Labcorp Genetics (formerly Invitae), Labcorp).

NM_000080.4(CHRNE):c.617_635del (p.Ala206fs)

Genes: C17orf107 (chromosome 17 open reading frame 107; plus strand), CHRNE (cholinergic receptor nicotinic epsilon subunit; minus strand). Cytogenetic location: 17p13.2.
Variant type: Deletion.
Coding change: c.617_635del on transcript NM_000080.4 (MANE Select); coding-DNA positions 617 to 635, 19 bases deleted (CCATCGACTTCTGCCCGGG).
Protein change: p.Ala206fs; shifts the reading frame from alanine 206.
Molecular consequence: frameshift variant. On other transcripts: 3 prime UTR variant (1).
Genome position (GRCh38, 1-based): chr17:4,901,157-4,901,175, CCCGGGCAGAAGTCGATGG deleted on the plus strand (CCATCGACTTCTGCCCGGG on the coding strand, the reverse complement: CHRNE is on the minus strand); deleting any 19 consecutive bases within chr17:4,901,157-4,901,178 gives the same sequence; the c. name uses the placement nearest the transcript's 3' end. VCF-style (leftmost placement, unchanged base first): chr17-4901156-CCCCGGGCAGAAGTCGATGG-C. GRCh37 (hg19) VCF-style: chr17-4804451-CCCCGGGCAGAAGTCGATGG-C.
Other names: c.617_635delCCATCGACTTCTGCCCGGG (NM_000080.3); c.*627_*645del (NM_001145536.2); short protein forms A206fs.
Identifiers: ClinVar variation 934771 (VCV000934771.10), dbSNP rs1969972830, ClinGen allele CA1139665075.
Genomic context (GRCh38, chr17:4,901,156, plus strand): 5'-GTAGATGACGTCAGTCTCCCCTGGGCCGTCGGTGGCGCCACCGTGGTGGCGGCGGATCAC[CCCCGGGCAGAAGTCGATGG>C]CCCACTCGCCGTTCTCTGCGGGACGGGGGCACGGTCAGCTGGCTGTCAGAGCGGGGCGCC-3'